The following is an entry in ClinVar:

ClinVar aggregate classification (germline): Pathogenic/Likely pathogenic. Review status: criteria provided, multiple submitters, no conflicts (2 of 4 stars). 10 submissions from 10 submitters: Pathogenic (6); Likely pathogenic (2). 2 of the submissions do not count toward it. Last evaluated 2025-10-30.

Conditions:
INPP5E-related disorder. Also called: INPP5E-related condition.
Joubert syndrome 1 (JBTS1). Also called: CEREBELLOPARENCHYMAL DISORDER IV; Cerebellooculorenal syndrome 1. Identifiers: MedGen C4551568, MONDO:0008944, OMIM 213300.
MORM syndrome (MORMS). Identifiers: Orphanet 75858, MedGen C1857802, MONDO:0012423, OMIM 610156.
Joubert syndrome. Also called: Familial aplasia of the vermis; JOUBERT-BOLTSHAUSER SYNDROME. Identifiers: Orphanet 475, MedGen C5979921, MONDO:0018772.

Allele frequency attached by ClinVar (database versions not stated): TOPMed 0.00001; gnomAD exomes 0.00003; ExAC 0.00005.

Submissions (10):

Labcorp Genetics (formerly Invitae), Labcorp
Classification: Pathogenic for Joubert syndrome. Last evaluated: 2025-10-30. Review status: criteria provided, single submitter. Criteria: Invitae Variant Classification Sherloc (09022015). Collection method: clinical testing. Allele origin: germline.
Comment: This sequence change replaces arginine, which is basic and polar, with glutamine, which is neutral and polar, at codon 435 of the INPP5E protein (p.Arg435Gln). The frequency data for this variant in the population databases is considered unreliable, as metrics indicate poor data quality at this position in the gnomAD database. This missense change has been observed in individual(s) with Joubert syndrome (PMID: 23386033, 30202406). ClinVar contains an entry for this variant (Variation ID: 399). Invitae Evidence Modeling of protein sequence and biophysical properties (such as structural, functional, and spatial information, amino acid conservation, physicochemical variation, residue mobility, and thermodynamic stability) indicates that this missense variant is expected to disrupt INPP5E protein function with a positive predictive value of 95%. Experimental studies have shown that this missense change affects INPP5E function (PMID: 19668216). This variant disrupts the p.Arg435 amino acid residue in INPP5E. Other variant(s) that disrupt this residue have been observed in individuals with INPP5E-related conditions (PMID: 25818971, 29230161), which suggests that this may be a clinically significant amino acid residue. For these reasons, this variant has been classified as Pathogenic.

PreventionGenetics, part of Exact Sciences
Classification: Pathogenic for INPP5E-related condition. Last evaluated: 2025-04-21. Review status: criteria provided, single submitter. Criteria: ACMG Guidelines, 2015. Collection method: clinical testing. Allele origin: germline.
Comment: The INPP5E c.1304G>A variant is predicted to result in the amino acid substitution p.Arg435Gln. This variant is documented causative for Joubert Syndrome (Bielas et al. 2009. PubMed ID: 19668216; Alfares et al. 2018. PubMed ID: 30202406). This variant is reported in 0.0083% of alleles in individuals of European (Non-Finnish) descent in gnomAD. This variant is interpreted as pathogenic.

3billion
Classification: Pathogenic for Joubert syndrome 1. Last evaluated: 2024-09-24. Review status: criteria provided, single submitter. Criteria: ACMG Guidelines, 2015. Collection method: clinical testing. Allele origin: germline. Affected: yes.
Comment: The variant is observed at an extremely low frequency in the gnomAD v4.0.0 dataset (total allele frequency: 0.002%). Predicted Consequence/Location: Missense variant In silico tool predictions suggest damaging effect of the variant on gene or gene product [REVEL: 0.93 (>=0.6, sensitivity 0.68 and specificity 0.92); 3Cnet: 0.94 (>=0.6, sensitivity 0.72 and precision 0.9)]. The same nucleotide change resulting in the same amino acid change has been previously reported as pathogenic/likely pathogenic with strong evidence (ClinVar ID: VCV000000399 /PMID: 19668216). Different missense changes at the same codon (p.Arg435Gly, p.Arg435Trp) have been reported as pathogenic/likely pathogenic with strong evidence (ClinVar ID: VCV000375472 /PMID: 25818971, 29230161). Therefore, this variant is classified as Pathogenic according to the recommendation of ACMG/AMP guideline.

Fulgent Genetics
Classification: Likely pathogenic for Joubert syndrome 1; MORM syndrome. Last evaluated: 2024-05-11. Review status: criteria provided, single submitter. Criteria: ACMG Guidelines, 2015. Collection method: clinical testing. Allele origin: germline.

Genomic Medicine Center of Excellence, King Faisal Specialist Hospital and Research Centre
Classification: Pathogenic. Last evaluated: 2024-01-18. Review status: criteria provided, single submitter. Criteria: ACMG Guidelines, 2015. Collection method: research. Allele origin: germline.

Revvity Omics, Revvity
Classification: Likely pathogenic. Last evaluated: 2022-08-25. Review status: criteria provided, single submitter. Criteria: ACMG Guidelines, 2015. Collection method: clinical testing. Allele origin: germline.

Blueprint Genetics
Classification: Pathogenic for INPP5E-related disorders. Last evaluated: 2022-07-29. Review status: criteria provided, single submitter. Criteria: ACMG Guidelines, 2015. Collection method: clinical testing. Allele origin: germline. Affected: yes. Observed: 3 variant alleles.

UW Hindbrain Malformation Research Program, University of Washington
Classification: Pathogenic for Joubert syndrome 1. Last evaluated: 2015-02-23. Review status: criteria provided, single submitter. Criteria: Bachmann-Gagescu et al. (J Med Genet. 2015). Collection method: research. Allele origin: unknown. Affected: yes.

Biochemical Molecular Genetic Laboratory, King Abdulaziz Medical City
Classification: Pathogenic for Joubert syndrome 1. Last evaluated: 2019-09-26. Review status: no assertion criteria provided. Collection method: clinical testing. Allele origin: germline. Affected: yes. Not counted in ClinVar's aggregate classification.

OMIM
Classification: Pathogenic for JOUBERT SYNDROME 1. Last evaluated: 2009-09-01. Review status: no assertion criteria provided. Collection method: literature only. Allele origin: germline. Not counted in ClinVar's aggregate classification.

Literature cited by the submitters: PubMed 23386033 (cited by Labcorp Genetics (formerly Invitae), Labcorp); PubMed 30202406 (cited by Labcorp Genetics (formerly Invitae), Labcorp); PubMed 19668216 (cited by 3 submitters); PubMed 25818971 (cited by Labcorp Genetics (formerly Invitae), Labcorp and 3billion); PubMed 29230161 (cited by Labcorp Genetics (formerly Invitae), Labcorp).

NM_019892.6(INPP5E):c.1304G>A (p.Arg435Gln)

Gene: INPP5E (inositol polyphosphate-5-phosphatase E; minus strand). Cytogenetic location: 9q34.3.
Variant type: single nucleotide variant.
Coding change: c.1304G>A on transcript NM_019892.6 (MANE Select); coding-DNA position 1304, G replaced by A.
Protein change: p.Arg435Gln; replaces arginine 435 with glutamine.
Molecular consequence: missense variant.
Genome position (GRCh38, 1-based): chr9:136,432,562, C>T on the plus strand (G>A on the coding strand, the complement: INPP5E is on the minus strand). VCF-style: chr9-136432562-C-T. GRCh37 (hg19) VCF-style: chr9-139327014-C-T.
Other names: c.1304G>A (NM_019892.5); c.1301G>A, p.Arg434Gln (NM_001318502.2); short protein forms R435Q, R434Q.
Identifiers: ClinVar variation 399 (VCV000000399.23), dbSNP rs121918129, ClinGen allele CA259597.